The following is an entry in ClinVar:

NM_001170629.2(CHD8):c.2317C>T (p.Arg773Ter)

Gene: CHD8 (chromodomain helicase DNA binding protein 8; minus strand). Cytogenetic location: 14q11.2.
Variant type: single nucleotide variant.
Coding change: c.2317C>T on transcript NM_001170629.2 (MANE Select); coding-DNA position 2317, C replaced by T.
Protein change: p.Arg773Ter; replaces arginine 773 with a stop codon.
Molecular consequence: nonsense.
Genome position (GRCh38, 1-based): chr14:21,409,898, G>A on the plus strand (C>T on the coding strand, the complement: CHD8 is on the minus strand). VCF-style: chr14-21409898-G-A. GRCh37 (hg19) VCF-style: chr14-21878057-G-A.
Other names: c.1480C>T, p.Arg494Ter (NM_020920.4); short protein forms R494*, R773*.
Identifiers: ClinVar variation 216902 (VCV000216902.3), dbSNP rs776631057, ClinGen allele CA210035.

ClinVar aggregate classification (germline): Pathogenic/Likely pathogenic. Review status: criteria provided, multiple submitters, no conflicts (2 of 4 stars). 2 submissions from 2 submitters: Pathogenic (1); Likely pathogenic (1). Last evaluated 2026-01-23.

Conditions:
Intellectual developmental disorder with autism and macrocephaly. Also called: CHD8-Related Neurodevelopmental Disorder with Overgrowth; Autism, susceptibility to, 18. Identifiers: Orphanet 642675, MedGen C3554373, MONDO:0014017, OMIM 615032.

Submissions (2):

GeneDx
Classification: Pathogenic. Last evaluated: 2026-01-23. Review status: criteria provided, single submitter. Criteria: GeneDx Variant Classification Process June 2021. Collection method: clinical testing. Allele origin: germline.
Comment: Nonsense variant predicted to result in protein truncation or nonsense mediated decay in a gene for which loss of function is a known mechanism of disease; Not observed at significant frequency in large population cohorts (gnomAD); This variant is associated with the following publications: (PMID: 25326637, 33994118)

UCLA Clinical Genomics Center, UCLA
Classification: Likely pathogenic for Autism, susceptibility to, 18. Last evaluated: 2013-10-01. Review status: criteria provided, single submitter. Criteria: Lee et al. (JAMA. 2014). Collection method: clinical testing. Allele origin: de novo. Inheritance: Autosomal dominant inheritance. Affected: yes. Study: CES.